The following is an entry in ClinVar:

NM_001009944.3(PKD1):c.3721A>T (p.Ile1241Phe)

Gene: PKD1 (polycystin 1, transient receptor potential channel interacting; minus strand). Cytogenetic location: 16p13.3.
Variant type: single nucleotide variant.
Coding change: c.3721A>T on transcript NM_001009944.3 (MANE Select); coding-DNA position 3721, A replaced by T.
Protein change: p.Ile1241Phe; replaces isoleucine 1241 with phenylalanine.
Molecular consequence: missense variant.
Genome position (GRCh38, 1-based): chr16:2,111,446, T>A on the plus strand (A>T on the coding strand, the complement: PKD1 is on the minus strand). VCF-style: chr16-2111446-T-A. GRCh37 (hg19) VCF-style: chr16-2161447-T-A.
Other names: c.3721A>T, p.Ile1241Phe (NM_000296.4); c.3721A>T (NM_000296.3); short protein forms I1241F.
Identifiers: ClinVar variation 4531575 (VCV004531575.2).
Genomic context (GRCh38, chr16:2,111,446, plus strand): 5'-CCACTGTTGCCTCCGGGCCCGACAGCACGGTGCCGTCCCCCATGTCGAAGGTCCACGTGA[T>A]GTTGTCGCCCGTCTGCACCGCGGCGCTGACCACCACGGGGGCGCCCTGCTCCACGGCCAG-3'
Protein context (NP_001009944.3, residues 1231-1251): VSAAVQTGDN[Ile1241Phe]TWTFDMGDGT

ClinVar aggregate classification (germline): Uncertain significance. Review status: criteria provided, multiple submitters, no conflicts (2 of 4 stars). 2 submissions from 2 submitters: Uncertain significance (2). Last evaluated 2026-05-14.

Conditions:
Polycystic kidney disease, adult type (PKD1). Also called: Polycystic Kidney Disease 1, Autosomal Dominant; Polycystic kidney disease 1; Polycystic kidney disease 1, severe; Polycystic Kidney, Autosomal Dominant; POLYCYSTIC KIDNEY DISEASE 1 WITH OR WITHOUT POLYCYSTIC LIVER DISEASE; POLYCYSTIC KIDNEY DISEASE, ADULT, TYPE I. Identifiers: MedGen C3149841, MONDO:0008263, OMIM 173900.
Inborn genetic diseases. Identifiers: MedGen C0950123, MeSH D030342.

gnomAD v4.1: 2 of 1,611,874 alleles (0.00012%); highest among the groups gnomAD compares: Non-Finnish European, 0.00017%; no homozygotes.

Submissions (2):

Ambry Genetics
Classification: Uncertain significance for Inborn genetic diseases. Last evaluated: 2026-05-14. Review status: criteria provided, single submitter. Criteria: Ambry Variant Classification Scheme 2023. Collection method: clinical testing. Allele origin: germline.

Victorian Clinical Genetics Services, Murdoch Childrens Research Institute
Classification: Uncertain significance for Polycystic kidney disease, adult type. Last evaluated: 2025-06-27. Review status: criteria provided, single submitter. Criteria: ACMG Guidelines, 2015. Collection method: clinical testing. Allele origin: germline. Affected: yes.
Comment: This variant is classified as VUS-3B. Evidence in support of pathogenic classification: Variant is present in gnomAD <0.001 for a dominant condition (v4: 2 heterozygote(s), 0 homozygote(s)). Evidence in support of benign classification: Missense variant predicted to be tolerated by in silico tool(s) or not conserved in placental mammals with a minor amino acid change. Additional information: Variant is predicted to result in a missense amino acid change from isoleucine to phenylalanine; This variant is heterozygous; This gene is associated with autosomal dominant disease. Polycystic kidney disease 1 (MIM#173900) is predominantly caused by monoallelic variants, with rare reports of biallelic variants causing disease (OMIM); Alternative amino acid change(s) at the same position are present in gnomAD (Highest allele count: v4: 2 heterozygote(s), 0 homozygote(s)). - This variant has no previous evidence of pathogenicity; No published segregation evidence has been identified for this variant; No published functional evidence has been identified for this variant; No comparable missense variants have previous evidence for pathogenicity; Variant is located in the annotated PKD domain (DECIPHER); Loss of function is a known mechanism of disease in this gene and is associated with polycystic kidney disease 1 (MIM#173900); Inheritance information for this variant is not currently available in this individual.